The following is an entry in ClinVar:

NM_001111.5(ADAR):c.3019G>C (p.Gly1007Arg)

Gene: ADAR (adenosine deaminase RNA specific; minus strand). Cytogenetic location: 1q21.3.
Variant type: single nucleotide variant.
Coding change: c.3019G>C on transcript NM_001111.5 (MANE Select); coding-DNA position 3019, G replaced by C.
Protein change: p.Gly1007Arg; replaces glycine 1007 with arginine.
Molecular consequence: missense variant.
Genome position (GRCh38, 1-based): chr1:154,588,125, C>G on the plus strand (G>C on the coding strand, the complement: ADAR is on the minus strand). VCF-style: chr1-154588125-C-G. GRCh37 (hg19) VCF-style: chr1-154560601-C-G.
Other names: c.2134G>C, p.Gly712Arg (NM_001025107.3, NM_001193495.2, NM_001365046.1 and 2 more transcripts); c.3046G>C, p.Gly1016Arg (NM_001365045.1); c.2056G>C, p.Gly686Arg (NM_001365049.1); c.2941G>C, p.Gly981Arg (NM_015840.4); c.2884G>C, p.Gly962Arg (NM_015841.4); short protein forms G1007R, G1016R, G686R, G712R, G962R, G981R.
Identifiers: ClinVar variation 3239322 (VCV003239322.19), dbSNP rs398122822.

ClinVar aggregate classification (germline): Likely pathogenic (1 of 4 stars; one submission).

Submission:

CeGaT Center for Human Genetics Tuebingen
Classification: Likely pathogenic. Last evaluated: 2024-05-01. Review status: criteria provided, single submitter. Criteria: CeGaT Center For Human Genetics Tuebingen Variant Classification Criteria Version 2. Collection method: clinical testing. Allele origin: germline. Affected: yes. Observed: 1 variant allele.
Comment: ADAR: PS1, PM2, PP3